The following is an entry in ClinVar:

NM_000219.6(KCNE1):c.236A>C (p.Asn79Thr)

Gene: KCNE1 (potassium voltage-gated channel subfamily E regulatory subunit 1; minus strand). Cytogenetic location: 21q22.12.
Variant type: single nucleotide variant.
Coding change: c.236A>C on transcript NM_000219.6 (MANE Select); coding-DNA position 236, A replaced by C.
Protein change: p.Asn79Thr; replaces asparagine 79 with threonine.
Molecular consequence: missense variant.
Genome position (GRCh38, 1-based): chr21:34,449,399, T>G on the plus strand (A>C on the coding strand, the complement: KCNE1 is on the minus strand). VCF-style: chr21-34449399-T-G. GRCh37 (hg19) VCF-style: chr21-35821697-T-G.
Other names: c.236A>C, p.Asn79Thr (NM_001127668.4, NM_001270402.3, NM_001270403.2 and 4 more transcripts); short protein forms N79T.
Identifiers: ClinVar variation 3374402 (VCV003374402.2).
Genomic context (GRCh38, chr21:34,449,399, plus strand): 5'-ACCCGGGCCTGGACATAGGCCTTGTCCTTCTCTTGCCAGGCATCGGACTCGATGTAGACG[T>G]TGAATGGGTCGTTCGAGTGCTCCAGCTTCTTGGAGCGGATGTAGCTCAGCATGATGCCCA-3'
Protein context (NP_000210.2, residues 69-89): KKLEHSNDPF[Asn79Thr]VYIESDAWQE

Conditions:
Long QT syndrome 5 (LQT5). Identifiers: Orphanet 101016, Orphanet 768, MedGen C1867904, MONDO:0013372, OMIM 613695.

Submission:

Roden Lab, Vanderbilt University Medical Center
No classification provided (evidence only). Condition: Long QT syndrome 5. Review status: no classification provided. Collection method: in vitro. Allele origin: not applicable. Functional consequence: Effect on ion channel function.
ClinVar note: "not provided" was previously submitted as the classification for the variant. However, the classification appeared to be based only on an observation of functional data so it was converted to no classification on 2025-07-30.